The following is an entry in ClinVar:

NM_001558.4(IL10RA):c.736C>T (p.Leu246Phe)

Gene: IL10RA (interleukin 10 receptor subunit alpha; plus strand). Cytogenetic location: 11q23.3.
Variant type: single nucleotide variant.
Coding change: c.736C>T on transcript NM_001558.4 (MANE Select); coding-DNA position 736, C replaced by T.
Protein change: p.Leu246Phe; replaces leucine 246 with phenylalanine.
Molecular consequence: missense variant. On other transcripts: non-coding transcript variant (1).
Genome position (GRCh38, 1-based): chr11:117,995,636, C>T. VCF-style: chr11-117995636-C-T. GRCh37 (hg19) VCF-style: chr11-117866351-C-T.
Other names: short protein forms L246F.
Identifiers: ClinVar variation 1964727 (VCV001964727.3), dbSNP rs1329514623, ClinGen allele CA382776748.
Genomic context (GRCh38, chr11:117,995,636, plus strand): 5'-TCTGGGCCTGCAGATTTCACCGTGACCAACGTCATCATCTTCTTTGCCTTTGTCCTGCTG[C>T]TCTCCGGAGCCCTCGCCTACTGCCTGGCCCTCCAGCTGTATGTGCGGCGCCGAAAGAAGC-3'
Protein context (NP_001549.2, residues 236-256): VIIFFAFVLL[Leu246Phe]SGALAYCLAL

ClinVar aggregate classification (germline): Uncertain significance (1 of 4 stars; one submission).

Conditions:
Inflammatory bowel disease 28. Also called: Inflammatory bowel disease 28, early onset, autosomal recessive. Identifiers: Orphanet 238569, MedGen C2751053, MONDO:0013153, OMIM 613148.

Allele frequency attached by ClinVar (database versions not stated): gnomAD exomes below 0.00001; TOPMed below 0.00001.
gnomAD v4.1: 2 of 1,614,178 alleles (0.00012%); highest among the groups gnomAD compares: East Asian, 0.0022%; no homozygotes.

Submission:

Labcorp Genetics (formerly Invitae), Labcorp
Classification: Uncertain significance for Inflammatory bowel disease 28. Last evaluated: 2021-11-27. Review status: criteria provided, single submitter. Criteria: Invitae Variant Classification Sherloc (09022015). Collection method: clinical testing. Allele origin: germline.
Comment: This sequence change replaces leucine, which is neutral and non-polar, with phenylalanine, which is neutral and non-polar, at codon 246 of the IL10RA protein (p.Leu246Phe). This variant is present in population databases (no rsID available, gnomAD 0.006%). In summary, the available evidence is currently insufficient to determine the role of this variant in disease. Therefore, it has been classified as a Variant of Uncertain Significance. Algorithms developed to predict the effect of missense changes on protein structure and function output the following: SIFT: "Deleterious"; PolyPhen-2: "Benign"; Align-GVGD: "Class C0". The phenylalanine amino acid residue is found in multiple mammalian species, which suggests that this missense change does not adversely affect protein function. This variant has not been reported in the literature in individuals affected with IL10RA-related conditions.